The following is an entry in ClinVar:

NM_001080449.3(DNA2):c.2992C>T (p.Arg998Ter)

Gene: DNA2 (DNA replication helicase/nuclease 2; minus strand). Cytogenetic location: 10q21.3.
Variant type: single nucleotide variant.
Coding change: c.2992C>T on transcript NM_001080449.3 (MANE Select); coding-DNA position 2992, C replaced by T.
Protein change: p.Arg998Ter; replaces arginine 998 with a stop codon.
Molecular consequence: nonsense. On other transcripts: non-coding transcript variant (1).
Genome position (GRCh38, 1-based): chr10:68,416,831, G>A on the plus strand (C>T on the coding strand, the complement: DNA2 is on the minus strand). VCF-style: chr10-68416831-G-A. GRCh37 (hg19) VCF-style: chr10-70176588-G-A.
Other names: short protein forms R998*.
Identifiers: ClinVar variation 2427996 (VCV002427996.6), dbSNP rs759174372, ClinGen allele CA5524687.

ClinVar aggregate classification (germline): Uncertain significance (1 of 4 stars; one submission).

Allele frequency attached by ClinVar (database versions not stated): TOPMed 0.00002; ExAC 0.00003; gnomAD 0.00003; gnomAD exomes 0.00003.
gnomAD v4.1: 45 of 1,609,276 alleles (0.0028%); highest among the groups gnomAD compares: Middle Eastern, 0.016%; no homozygotes.

Submission:

Labcorp Genetics (formerly Invitae), Labcorp
Classification: Uncertain significance. Last evaluated: 2024-12-31. Review status: criteria provided, single submitter. Criteria: Invitae Variant Classification Sherloc (09022015). Collection method: clinical testing. Allele origin: germline.
Comment: This sequence change creates a premature translational stop signal (p.Arg998*) in the DNA2 gene. It is expected to result in an absent or disrupted protein product. However, the current clinical and genetic evidence is not sufficient to establish whether loss-of-function variants in DNA2 cause disease. This variant is present in population databases (rs759174372, gnomAD 0.008%). This variant has not been reported in the literature in individuals affected with DNA2-related conditions. ClinVar contains an entry for this variant (Variation ID: 2427996). Algorithms developed to predict the effect of sequence changes on RNA splicing suggest that this variant may disrupt the consensus splice site. In summary, the available evidence is currently insufficient to determine the role of this variant in disease. Therefore, it has been classified as a Variant of Uncertain Significance.